The following is an entry in ClinVar:

ClinVar aggregate classification (germline): Uncertain significance. Review status: criteria provided, multiple submitters, no conflicts (2 of 4 stars). 2 submissions from 2 submitters: Uncertain significance (2). Last evaluated 2025-11-15.

Conditions:
Cardiovascular phenotype. Identifiers: MedGen CN230736.

Allele frequency attached by ClinVar (database versions not stated): gnomAD 0.00001.
gnomAD v4.1: 1 of 1,613,968 alleles (0.000062%); highest among the groups gnomAD compares: African/African-American, 0.0013%; no homozygotes.

Submissions (2):

Mayo Clinic Laboratories, Mayo Clinic
Classification: Uncertain significance. Last evaluated: 2025-11-15. Review status: criteria provided, single submitter. Criteria: ACMG Guidelines, 2015. Collection method: clinical testing. Allele origin: germline. Observed: 1 variant allele.
Comment: PP3, PM2_supporting

Ambry Genetics
Classification: Uncertain significance for Cardiovascular phenotype. Last evaluated: 2022-11-19. Review status: criteria provided, single submitter. Criteria: Ambry Variant Classification Scheme 2023. Collection method: clinical testing. Allele origin: germline.
Comment: The p.Y3520C variant (also known as c.10559A>G), located in coding exon 26 of the APOB gene, results from an A to G substitution at nucleotide position 10559. The tyrosine at codon 3520 is replaced by cysteine, an amino acid with highly dissimilar properties. This amino acid position is conserved. In addition, the in silico prediction for this alteration is inconclusive. Since supporting evidence is limited at this time, the clinical significance of this alteration remains unclear.

NM_000384.3(APOB):c.10559A>G (p.Tyr3520Cys)

Gene: APOB (apolipoprotein B; minus strand). Cytogenetic location: 2p24.1.
Variant type: single nucleotide variant.
Coding change: c.10559A>G on transcript NM_000384.3 (MANE Select); coding-DNA position 10559, A replaced by G.
Protein change: p.Tyr3520Cys; replaces tyrosine 3520 with cysteine.
Molecular consequence: missense variant.
Genome position (GRCh38, 1-based): chr2:21,006,309, T>C on the plus strand (A>G on the coding strand, the complement: APOB is on the minus strand). VCF-style: chr2-21006309-T-C. GRCh37 (hg19) VCF-style: chr2-21229181-T-C.
Other names: p.Tyr3520Cys; short protein forms Y3520C.
Identifiers: ClinVar variation 3231355 (VCV003231355.2), dbSNP rs1663135834, ClinGen allele CA345986192.
Genomic context (GRCh38, chr2:21,006,309, plus strand): 5'-TCATCAATTTTGGAAGTGCCCTGCAGCTTCACTGAAGACCGTGTGCTCTTGGAATTCAAG[T>C]AAGTGTTGGCCTCACTAGCAATAGTTCCTGAATATTCCCGAGAAAGAACCGAACCCTTGA-3'
Protein context (NP_000375.3, residues 3510-3530): SGTIASEANT[Tyr3520Cys]LNSKSTRSSV